The following is an entry in ClinVar:

ClinVar aggregate classification (germline): Likely benign (1 of 4 stars; one submission).

Allele frequency attached by ClinVar (database versions not stated): gnomAD exomes 0.00001.
gnomAD v4.1: 4 of 1,610,196 alleles (0.00025%); highest among the groups gnomAD compares: Non-Finnish European, 0.00034%; no homozygotes.

Submission:

CeGaT Center for Human Genetics Tuebingen
Classification: Likely benign. Last evaluated: 2022-11-01. Review status: criteria provided, single submitter. Criteria: CeGaT Center For Human Genetics Tuebingen Variant Classification Criteria Version 2. Collection method: clinical testing. Allele origin: germline. Affected: yes. Observed: 1 variant allele.
Comment: MLLT3: PM2:Supporting, BP4, BP7

NM_004529.4(MLLT3):c.540C>T (p.Ser180=)

Gene: MLLT3 (MLLT3 super elongation complex subunit; minus strand). Cytogenetic location: 9p21.3.
Variant type: single nucleotide variant.
Coding change: c.540C>T on transcript NM_004529.4 (MANE Select); coding-DNA position 540, C replaced by T.
Protein change: p.Ser180=; no amino-acid change (serine 180 retained).
Molecular consequence: synonymous variant.
Genome position (GRCh38, 1-based): chr9:20,414,306, G>A on the plus strand (C>T on the coding strand, the complement: MLLT3 is on the minus strand). VCF-style: chr9-20414306-G-A. GRCh37 (hg19) VCF-style: chr9-20414304-G-A.
Other names: c.531C>T, p.Ser177= (NM_001286691.2).
Identifiers: ClinVar variation 2659108 (VCV002659108.24), dbSNP rs1822811130, ClinGen allele CA464262756.